The following is an entry in ClinVar:

NM_001145358.2(SIN3A):c.3131G>A (p.Ser1044Asn)

Gene: SIN3A (SIN3 transcription regulator family member A; minus strand). Cytogenetic location: 15q24.2.
Variant type: single nucleotide variant.
Coding change: c.3131G>A on transcript NM_001145358.2 (MANE Select); coding-DNA position 3131, G replaced by A.
Protein change: p.Ser1044Asn; replaces serine 1044 with asparagine.
Molecular consequence: missense variant.
Genome position (GRCh38, 1-based): chr15:75,384,328, C>T on the plus strand (G>A on the coding strand, the complement: SIN3A is on the minus strand). VCF-style: chr15-75384328-C-T. GRCh37 (hg19) VCF-style: chr15-75676669-C-T.
Other names: c.3131G>A, p.Ser1044Asn (NM_001145357.2, NM_015477.3); short protein forms S1044N.
Identifiers: ClinVar variation 3685694 (VCV003685694.2).

ClinVar aggregate classification (germline): Uncertain significance (1 of 4 stars; one submission).

Submission:

Labcorp Genetics (formerly Invitae), Labcorp
Classification: Uncertain significance. Last evaluated: 2024-08-18. Review status: criteria provided, single submitter. Criteria: Invitae Variant Classification Sherloc (09022015). Collection method: clinical testing. Allele origin: germline.
Comment: This sequence change replaces serine, which is neutral and polar, with asparagine, which is neutral and polar, at codon 1044 of the SIN3A protein (p.Ser1044Asn). This variant is present in population databases (no rsID available, gnomAD 0.0009%). This variant has not been reported in the literature in individuals affected with SIN3A-related conditions. Invitae Evidence Modeling of protein sequence and biophysical properties (such as structural, functional, and spatial information, amino acid conservation, physicochemical variation, residue mobility, and thermodynamic stability) indicates that this missense variant is not expected to disrupt SIN3A protein function with a negative predictive value of 80%. In summary, the available evidence is currently insufficient to determine the role of this variant in disease. Therefore, it has been classified as a Variant of Uncertain Significance.